The following is an entry in ClinVar:

ClinVar aggregate classification (germline): Uncertain significance (1 of 4 stars; one submission).

gnomAD v4.1: 10 of 1,612,184 alleles (0.00062%); highest among the groups gnomAD compares: Admixed American, 0.01%; no homozygotes.

Submission:

Labcorp Genetics (formerly Invitae), Labcorp
Classification: Uncertain significance. Last evaluated: 2024-09-27. Review status: criteria provided, single submitter. Criteria: Invitae Variant Classification Sherloc (09022015). Collection method: clinical testing. Allele origin: germline.
Comment: This sequence change replaces alanine, which is neutral and non-polar, with serine, which is neutral and polar, at codon 989 of the ABCA3 protein (p.Ala989Ser). This variant is present in population databases (rs753800479, gnomAD 0.02%). This variant has not been reported in the literature in individuals affected with ABCA3-related conditions. Invitae Evidence Modeling of protein sequence and biophysical properties (such as structural, functional, and spatial information, amino acid conservation, physicochemical variation, residue mobility, and thermodynamic stability) indicates that this missense variant is not expected to disrupt ABCA3 protein function with a negative predictive value of 80%. In summary, the available evidence is currently insufficient to determine the role of this variant in disease. Therefore, it has been classified as a Variant of Uncertain Significance.

NM_001089.3(ABCA3):c.2965G>T (p.Ala989Ser)

Gene: ABCA3 (ATP binding cassette subfamily A member 3; minus strand). Cytogenetic location: 16p13.3.
Variant type: single nucleotide variant.
Coding change: c.2965G>T on transcript NM_001089.3 (MANE Select); coding-DNA position 2965, G replaced by T.
Protein change: p.Ala989Ser; replaces alanine 989 with serine.
Molecular consequence: missense variant.
Genome position (GRCh38, 1-based): chr16:2,288,065, C>A on the plus strand (G>T on the coding strand, the complement: ABCA3 is on the minus strand). VCF-style: chr16-2288065-C-A. GRCh37 (hg19) VCF-style: chr16-2338066-C-A.
Other names: short protein forms A989S.
Identifiers: ClinVar variation 3672389 (VCV003672389.2).
Genomic context (GRCh38, chr16:2,288,065, plus strand): 5'-CGCCCCCGGGATGCCCCTTACCGAGCACCTCGCGGGGCTCCTGTCCCTCAGCCTGCAGTG[C>A]GTCTTTCAGATGCTCTGACAGCTGCTGACCCAGCTGGGAGGTCCCGGGAACTGAGAAGGG-3'
Protein context (NP_001080.2, residues 979-999): GQQLSEHLKD[Ala989Ser]LQAEGQEPRE